The following is an entry in ClinVar:

ClinVar aggregate classification (germline): Uncertain significance (1 of 4 stars; one submission).

Conditions:
Hereditary pancreatitis (PCTT). Also called: PRSS1-Related Hereditary Pancreatitis; Hereditary chronic pancreatitis. Identifiers: Orphanet 676, MedGen C0238339, MONDO:0008185, OMIM 167800.

Submission:

Ambry Genetics
Classification: Uncertain significance for Hereditary pancreatitis. Last evaluated: 2023-07-16. Review status: criteria provided, single submitter. Criteria: Ambry Variant Classification Scheme 2023. Collection method: clinical testing. Allele origin: germline.
Comment: The p.L134M variant (also known as c.400C>A), located in coding exon 4 of the CPA1 gene, results from a C to A substitution at nucleotide position 400. The leucine at codon 134 is replaced by methionine, an amino acid with highly similar properties. This amino acid position is conserved. In addition, this alteration is predicted to be tolerated by in silico analysis. Since supporting evidence is limited at this time, the clinical significance of this alteration remains unclear.

NM_001868.4(CPA1):c.400C>A (p.Leu134Met)

Gene: CPA1 (carboxypeptidase A1; plus strand). Cytogenetic location: 7q32.2.
Variant type: single nucleotide variant.
Coding change: c.400C>A on transcript NM_001868.4 (MANE Select); coding-DNA position 400, C replaced by A.
Protein change: p.Leu134Met; replaces leucine 134 with methionine.
Molecular consequence: missense variant.
Genome position (GRCh38, 1-based): chr7:130,382,126, C>A. VCF-style: chr7-130382126-C-A. GRCh37 (hg19) VCF-style: chr7-130021967-C-A.
Other names: short protein forms L134M.
Identifiers: ClinVar variation 2625442 (VCV002625442.2), dbSNP rs2536006206, ClinGen allele CA369280787.